The following is an entry in ClinVar:

NM_001393769.1(MED12L):c.129A>C (p.Gln43His)

Gene: MED12L (mediator complex subunit 12L; plus strand). Cytogenetic location: 3q25.1.
Variant type: single nucleotide variant.
Coding change: c.129A>C on transcript NM_001393769.1 (MANE Select); coding-DNA position 129, A replaced by C.
Protein change: p.Gln43His; replaces glutamine 43 with histidine.
Molecular consequence: missense variant.
Genome position (GRCh38, 1-based): chr3:151,116,367, A>C. VCF-style: chr3-151116367-A-C. GRCh37 (hg19) VCF-style: chr3-150834154-A-C.
Other names: c.129A>C, p.Gln43His (NM_053002.6); short protein forms Q43H.
Identifiers: ClinVar variation 5008567 (VCV005008567.1).
Genomic context (GRCh38, chr3:151,116,367, plus strand): 5'-TTCTGCTTAATCAATACCGTCTCTTGAACAGGATGAACTTACTGCTGTGAATGTAAAGCA[A>C]GGCTTCAATAATCAGCCAGCCTTCACTGGAGATGAACATGGCTCAGCCAGAAATATTGTA-3'
Protein context (NP_001380698.1, residues 33-53): EDELTAVNVK[Gln43His]GFNNQPAFTG

ClinVar aggregate classification (germline): Uncertain significance (1 of 4 stars; one submission).

Submission:

GeneDx
Classification: Uncertain significance. Last evaluated: 2026-03-04. Review status: criteria provided, single submitter. Criteria: GeneDx Variant Classification Process June 2021. Collection method: clinical testing. Allele origin: germline.
Comment: Not observed at significant frequency in large population cohorts (gnomAD); In silico analysis suggests that this missense variant does not alter protein structure/function; Has not been previously published as pathogenic or benign to our knowledge